The following is an entry in ClinVar:

ClinVar aggregate classification (germline): Uncertain significance. Review status: criteria provided, multiple submitters, no conflicts (2 of 4 stars). 2 submissions from 2 submitters: Uncertain significance (2). Last evaluated 2022-02-10.

Conditions:
Inborn genetic diseases. Identifiers: MedGen C0950123, MeSH D030342.
Joubert syndrome 21 (JBTS21). Identifiers: MedGen C3810212, MONDO:0014288, OMIM 615636.

Allele frequency attached by ClinVar (database versions not stated): TOPMed below 0.00001; gnomAD 0.00001; gnomAD exomes 0.00001.
gnomAD v4.1: 18 of 1,594,652 alleles (0.0011%); highest among the groups gnomAD compares: Non-Finnish European, 0.0015%; no homozygotes.

Submissions (2):

Ambry Genetics
Classification: Uncertain significance for Inborn genetic diseases. Last evaluated: 2022-02-10. Review status: criteria provided, single submitter. Criteria: Ambry Variant Classification Scheme 2023. Collection method: clinical testing. Allele origin: germline.

Labcorp Genetics (formerly Invitae), Labcorp
Classification: Uncertain significance for Joubert syndrome 21. Last evaluated: 2021-05-01. Review status: criteria provided, single submitter. Criteria: Invitae Variant Classification Sherloc (09022015). Collection method: clinical testing. Allele origin: germline.
Comment: Algorithms developed to predict the effect of missense changes on protein structure and function are either unavailable or do not agree on the potential impact of this missense change (SIFT: "Deleterious"; PolyPhen-2: "Benign"; Align-GVGD: "Class C65"). This sequence change replaces tyrosine with cysteine at codon 535 of the CSPP1 protein (p.Tyr535Cys). The tyrosine residue is highly conserved and there is a large physicochemical difference between tyrosine and cysteine. This variant is not present in population databases (ExAC no frequency). This variant has not been reported in the literature in individuals with CSPP1-related conditions. Algorithms developed to predict the effect of sequence changes on RNA splicing suggest that this variant may create or strengthen a splice site, but this prediction has not been confirmed by published transcriptional studies. In summary, the available evidence is currently insufficient to determine the role of this variant in disease. Therefore, it has been classified as a Variant of Uncertain Significance.

NM_001382391.1(CSPP1):c.1619A>G (p.Tyr540Cys)

Gene: CSPP1 (centrosome and spindle pole associated protein 1; plus strand). Cytogenetic location: 8q13.2.
Variant type: single nucleotide variant.
Coding change: c.1619A>G on transcript NM_001382391.1 (MANE Select); coding-DNA position 1619, A replaced by G.
Protein change: p.Tyr540Cys; replaces tyrosine 540 with cysteine.
Molecular consequence: missense variant.
Genome position (GRCh38, 1-based): chr8:67,118,743, A>G. VCF-style: chr8-67118743-A-G. GRCh37 (hg19) VCF-style: chr8-68030978-A-G.
Other names: c.722A>G, p.Tyr241Cys (NM_001291339.2); c.1538A>G, p.Tyr513Cys (NM_001363131.2); c.1577A>G, p.Tyr526Cys (NM_001363132.2); c.1496A>G, p.Tyr499Cys (NM_001363133.2); c.1685A>G, p.Tyr562Cys (NM_001364869.1); c.1505A>G, p.Tyr502Cys (NM_001364870.1); c.1604A>G, p.Tyr535Cys (NM_024790.7); short protein forms Y499C, Y513C, Y540C, Y241C, Y562C, Y502C, Y526C, Y535C.
Identifiers: ClinVar variation 1450119 (VCV001450119.8), dbSNP rs1818416279, ClinGen allele CA371200990.
Genomic context (GRCh38, chr8:67,118,743, plus strand): 5'-AAATATTATTAAATGATTATTCTAAATAAACTTTTTTTGTTTTTTTGTTTTTTCTTTAAG[A>G]TGGTTCAGGAATGATGGGCGTACAGCCTGCAGCTTATGTTAGTGCTCCTGTCACCCACCA-3'
Protein context (NP_001369320.1, residues 530-550): RNTFDPSLAY[Tyr540Cys]GSGMMGVQPA